The following is an entry in ClinVar:

ClinVar aggregate classification (germline): Benign/Likely benign. Review status: criteria provided, multiple submitters, no conflicts (2 of 4 stars). 9 submissions from 8 submitters: Benign (8); Likely benign (1). Last evaluated 2026-01-28.

Conditions:
Hypoalphalipoproteinemia, primary, 1. Identifiers: Orphanet 425, MedGen C5231558, MONDO:0011393, OMIM 604091.
Tangier disease (TGD). Also called: Cholesterol thesaurismosis; HIGH DENSITY LIPOPROTEIN DEFICIENCY, TANGIER TYPE; HIGH DENSITY LIPOPROTEIN DEFICIENCY, TYPE 1. Identifiers: Orphanet 31150, MedGen C0039292, MONDO:0008783, OMIM 205400.
Cardiovascular phenotype. Identifiers: MedGen CN230736.

Allele frequency attached by ClinVar (database versions not stated): gnomAD exomes 0.00103 and 0.00263; ExAC 0.00335; gnomAD 0.01045 and 0.01113; 1000 Genomes Project 0.01198; TOPMed 0.01209; 1000 Genomes Project 30x 0.01218; ESP Exome Variant Server 0.01292.
gnomAD v4.1: 3,173 of 1,614,024 alleles (0.2%); highest among the groups gnomAD compares: African/African-American, 3.6%; 63 homozygotes.

Submissions (9):

Labcorp Genetics (formerly Invitae), Labcorp
Classification: Benign. Last evaluated: 2026-01-28. Review status: criteria provided, single submitter. Criteria: Invitae Variant Classification Sherloc (09022015). Collection method: clinical testing. Allele origin: germline.

Fulgent Genetics
Classification: Likely benign for Tangier disease; Hypoalphalipoproteinemia, primary, 1. Last evaluated: 2022-05-17. Review status: criteria provided, single submitter. Criteria: ACMG Guidelines, 2015. Collection method: clinical testing. Allele origin: unknown.

Mayo Clinic Laboratories, Mayo Clinic
Classification: Benign. Last evaluated: 2022-02-23. Review status: criteria provided, single submitter. Criteria: ACMG Guidelines, 2015. Collection method: clinical testing. Allele origin: germline. Observed: 5 variant alleles.
Comment: BS1, BS2, BP4, BP7

GeneDx
Classification: Benign. Last evaluated: 2020-10-14. Review status: criteria provided, single submitter. Criteria: GeneDx Variant Classification Process June 2021. Collection method: clinical testing. Allele origin: germline. Affected: yes.

Ambry Genetics
Classification: Benign for Cardiovascular phenotype. Last evaluated: 2019-09-19. Review status: criteria provided, single submitter. Criteria: Ambry Variant Classification Scheme 2023. Collection method: clinical testing. Allele origin: germline.

Illumina Laboratory Services, Illumina
Classification: Benign for Hypoalphalipoproteinemia, primary, 1. Last evaluated: 2018-01-13. Review status: criteria provided, single submitter. Criteria: ICSL Variant Classification Criteria 13 December 2019. Collection method: clinical testing. Allele origin: germline.
Comment: This variant was observed in the ICSL laboratory as part of a predisposition screen in an ostensibly healthy population. It had not been previously curated by ICSL or reported in the Human Gene Mutation Database (HGMD: prior to June 1st, 2018), and was therefore a candidate for classification through an automated scoring system. Utilizing variant allele frequency, disease prevalence and penetrance estimates, and inheritance mode, an automated score was calculated to assess if this variant is too frequent to cause the disease. Based on the score and internal cut-off values, a variant classified as benign is not then subjected to further curation. The score for this variant resulted in a classification of benign for this disease.

Illumina Laboratory Services, Illumina
Classification: Benign for Tangier disease. Last evaluated: 2018-01-13. Review status: criteria provided, single submitter. Criteria: ICSL Variant Classification Criteria 13 December 2019. Collection method: clinical testing. Allele origin: germline.
Comment: the same text as in the submission from Illumina Laboratory Services, Illumina above.

Women's Health and Genetics/Laboratory Corporation of America, LabCorp
Classification: Benign. Last evaluated: 2017-05-08. Review status: criteria provided, single submitter. Criteria: LabCorp Variant Classification Summary - May 2015. Collection method: clinical testing. Allele origin: germline.
Comment: Variant summary: The ABCA1 c.2868C>T (p.Thr956Thr) variant involves the alteration of a non-conserved nucleotide, resulting in a synonymous change. One in silico tool predicts a damaging outcome for this variant. 5/5 splice prediction tools predict no significant impact on normal splicing. ESE finder predicts that this variant may disrupt ESE sites at the locus. However, these predictions have yet to be confirmed by functional studies. This variant was found in the large control database ExAC at a frequency of 0.0033539 (406/121054 control chromosomes [8 homozygotes]), which is approximately 268 times the estimated maximal expected allele frequency of a pathogenic ABCA1 variant (0.0000125), strongly suggesting this variant is likely a benign polymorphism. The variant of interest has not, to our knowledge, been reported in affected individuals via publications, nor has it been evaluated for functional impact by in vivo/vitro studies. Taken together, this variant is classified as benign.

Breakthrough Genomics
Classification: Benign. Review status: criteria provided, single submitter. Criteria: ACMG Guidelines, 2015. Collection method: not provided. Allele origin: germline. Inheritance: Autosomal recessive inheritance. Affected: yes.

NM_005502.4(ABCA1):c.2868C>T (p.Thr956=)

Gene: ABCA1 (ATP binding cassette subfamily A member 1; minus strand). Cytogenetic location: 9q31.1.
Variant type: single nucleotide variant.
Coding change: c.2868C>T on transcript NM_005502.4 (MANE Select); coding-DNA position 2868, C replaced by T.
Protein change: p.Thr956=; no amino-acid change (threonine 956 retained).
Molecular consequence: synonymous variant.
Genome position (GRCh38, 1-based): chr9:104,821,467, G>A on the plus strand (C>T on the coding strand, the complement: ABCA1 is on the minus strand). VCF-style: chr9-104821467-G-A. GRCh37 (hg19) VCF-style: chr9-107583748-G-A.
Other names: p.Thr956=.
Identifiers: ClinVar variation 496292 (VCV000496292.19), dbSNP rs35561837, ClinGen allele CA5168620.
Genomic context (GRCh38, chr9:104,821,467, plus strand): 5'-CCCCAGGTTCTGCCGGATGGTGCTCATCTCAGAGCGAATGTCTTTTCCCAGGATGTAGGC[G>A]GTGCCCGAGGTCGGGGGGAACAACCCGGTCAGGATTGACCTGAGGACAAAAATTTAGAAG-3'
Protein context (NP_005493.2, residues 946-966): LTGLFPPTSG[Thr956=]AYILGKDIRS